The following is an entry in ClinVar:

ClinVar aggregate classification (germline): Pathogenic/Likely pathogenic. Review status: criteria provided, multiple submitters, no conflicts (2 of 4 stars). 2 submissions from 2 submitters: Pathogenic (1); Likely pathogenic (1). Last evaluated 2025-05-11.

Conditions:
Cardiovascular phenotype. Identifiers: MedGen CN230736.
Hereditary cancer-predisposing syndrome. Also called: Neoplastic Syndromes, Hereditary; Tumor predisposition; Hereditary neoplastic syndrome; Hereditary Cancer Syndrome. Identifiers: Orphanet 140162, MedGen C0027672, MeSH D009386, MONDO:0015356.
Neurofibromatosis, type 1 (NF1). Also called: Peripheral type neurofibromatosis; VON RECKLINGHAUSEN DISEASE; NEUROFIBROMATOSIS, TYPE I, SOMATIC; Neurofibromatosis, type I. Identifiers: Orphanet 636, MedGen C0027831, MONDO:0018975, OMIM 162200. Disease mechanism: loss of function.

Submissions (2):

Labcorp Genetics (formerly Invitae), Labcorp
Classification: Pathogenic for Neurofibromatosis, type 1. Last evaluated: 2025-05-11. Review status: criteria provided, single submitter. Criteria: Invitae Variant Classification Sherloc (09022015). Collection method: clinical testing. Allele origin: germline.
Comment: This sequence change affects a donor splice site in intron 53 of the NF1 gene. It is expected to disrupt RNA splicing. Variants that disrupt the donor or acceptor splice site typically lead to a loss of protein function (PMID: 16199547), and loss-of-function variants in NF1 are known to be pathogenic (PMID: 10712197, 23913538). This variant is not present in population databases (gnomAD no frequency). Disruption of this splice site has been observed in individual(s) with neurofibromatosis type 1 (PMID: 10712197). ClinVar contains an entry for this variant (Variation ID: 1761156). Algorithms developed to predict the effect of sequence changes on RNA splicing suggest that this variant may disrupt the consensus splice site. For these reasons, this variant has been classified as Pathogenic.

Ambry Genetics
Classification: Likely pathogenic for Cardiovascular phenotype; Hereditary cancer-predisposing syndrome. Last evaluated: 2022-05-10. Review status: criteria provided, single submitter. Criteria: Ambry Variant Classification Scheme 2023. Collection method: clinical testing. Allele origin: germline.
Comment: The c.7907+2T>C intronic variant results from a T to C substitution two nucleotides after coding exon 53 in the NF1 gene. This variant is considered to be rare based on population cohorts in the Genome Aggregation Database (gnomAD). This nucleotide position is highly conserved in available vertebrate species. In silico splice site analysis predicts that this alteration will weaken the native splice donor site. Alterations that disrupt the canonical splice site are expected to cause aberrant splicing, resulting in an abnormal protein or a transcript that is subject to nonsense-mediated mRNA decay. As such, this alteration is classified as likely pathogenic.

Literature cited by the submitters: PubMed 16199547 (cited by Labcorp Genetics (formerly Invitae), Labcorp); PubMed 10712197 (cited by Labcorp Genetics (formerly Invitae), Labcorp); PubMed 23913538 (cited by Labcorp Genetics (formerly Invitae), Labcorp).

NM_001042492.3(NF1):c.7970+2T>C

Gene: NF1 (neurofibromin 1; plus strand). Cytogenetic location: 17q11.2.
Variant type: single nucleotide variant.
Coding change: c.7970+2T>C on transcript NM_001042492.3 (MANE Select); the canonical splice donor site of the intron after coding-DNA position 7970, T replaced by C.
Molecular consequence: splice donor variant.
Genome position (GRCh38, 1-based): chr17:31,357,371, T>C. VCF-style: chr17-31357371-T-C. GRCh37 (hg19) VCF-style: chr17-29684389-T-C.
Other names: c.7907+2T>C (NM_000267.4).
Identifiers: ClinVar variation 1761156 (VCV001761156.3), dbSNP rs2151583480, ClinGen allele CA399203575.